The following is an entry in ClinVar:

NM_020461.4(TUBGCP6):c.2967T>G (p.Cys989Trp)

Gene: TUBGCP6 (tubulin gamma complex component 6; minus strand). Cytogenetic location: 22q13.33.
Variant type: single nucleotide variant.
Coding change: c.2967T>G on transcript NM_020461.4 (MANE Select); coding-DNA position 2967, T replaced by G.
Protein change: p.Cys989Trp; replaces cysteine 989 with tryptophan.
Molecular consequence: missense variant.
Genome position (GRCh38, 1-based): chr22:50,221,392, A>C on the plus strand (T>G on the coding strand, the complement: TUBGCP6 is on the minus strand). VCF-style: chr22-50221392-A-C. GRCh37 (hg19) VCF-style: chr22-50659821-A-C.
Other names: c.2967T>G (NM_020461.3); short protein forms C989W.
Identifiers: ClinVar variation 1414709 (VCV001414709.7), dbSNP rs2147179820, ClinGen allele CA412185763.

ClinVar aggregate classification (germline): Uncertain significance (1 of 4 stars; one submission).

Conditions:
Microcephaly and chorioretinopathy 1. Also called: Microcephaly and chorioretinopathy, autosomal recessive, 1. Identifiers: MedGen C3278481, MONDO:0009624, OMIM 251270.

Submission:

Labcorp Genetics (formerly Invitae), Labcorp
Classification: Uncertain significance. Last evaluated: 2025-07-14. Review status: criteria provided, single submitter. Criteria: Invitae Variant Classification Sherloc (09022015). Collection method: clinical testing. Allele origin: germline.
Comment: This sequence change replaces cysteine, which is neutral and slightly polar, with tryptophan, which is neutral and slightly polar, at codon 989 of the TUBGCP6 protein (p.Cys989Trp). This variant is not present in population databases (gnomAD no frequency). This variant has not been reported in the literature in individuals affected with TUBGCP6-related conditions. ClinVar contains an entry for this variant (Variation ID: 1414709). An algorithm developed to predict the effect of missense changes on protein structure and function (PolyPhen-2) suggests that this variant is likely to be disruptive. In summary, the available evidence is currently insufficient to determine the role of this variant in disease. Therefore, it has been classified as a Variant of Uncertain Significance.